The following is an entry in ClinVar:

NM_014000.3(VCL):c.762T>G (p.Asp254Glu)

Gene: VCL (vinculin; plus strand). Cytogenetic location: 10q22.2.
Variant type: single nucleotide variant.
Coding change: c.762T>G on transcript NM_014000.3 (MANE Select); coding-DNA position 762, T replaced by G.
Protein change: p.Asp254Glu; replaces aspartic acid 254 with glutamic acid.
Molecular consequence: missense variant.
Genome position (GRCh38, 1-based): chr10:74,074,882, T>G. VCF-style: chr10-74074882-T-G. GRCh37 (hg19) VCF-style: chr10-75834640-T-G.
Other names: c.762T>G, p.Asp254Glu (NM_003373.4); short protein forms D254E.
Identifiers: ClinVar variation 3226301 (VCV003226301.1), dbSNP rs2136275539, ClinGen allele CA377268582.

ClinVar aggregate classification (germline): Uncertain significance (1 of 4 stars; one submission).

Conditions:
Cardiovascular phenotype. Identifiers: MedGen CN230736.

Submission:

Ambry Genetics
Classification: Uncertain significance for Cardiovascular phenotype. Last evaluated: 2023-11-01. Review status: criteria provided, single submitter. Criteria: Ambry Variant Classification Scheme 2023. Collection method: clinical testing. Allele origin: germline.
Comment: The p.D254E variant (also known as c.762T>G), located in coding exon 6 of the VCL gene, results from a T to G substitution at nucleotide position 762. The aspartic acid at codon 254 is replaced by glutamic acid, an amino acid with highly similar properties. This amino acid position is conserved. In addition, the in silico prediction for this alteration is inconclusive. Since supporting evidence is limited at this time, the clinical significance of this alteration remains unclear.